The following is an entry in ClinVar:

NM_020632.3(ATP6V0A4):c.2308C>T (p.Arg770Ter)

Gene: ATP6V0A4 (ATPase H+ transporting V0 subunit a4; minus strand). Cytogenetic location: 7q34.
Variant type: single nucleotide variant.
Coding change: c.2308C>T on transcript NM_020632.3 (MANE Select); coding-DNA position 2308, C replaced by T.
Protein change: p.Arg770Ter; replaces arginine 770 with a stop codon.
Molecular consequence: nonsense.
Genome position (GRCh38, 1-based): chr7:138,709,745, G>A on the plus strand (C>T on the coding strand, the complement: ATP6V0A4 is on the minus strand). VCF-style: chr7-138709745-G-A. GRCh37 (hg19) VCF-style: chr7-138394490-G-A.
Other names: c.2308C>T, p.Arg770Ter (NM_130840.3, NM_130841.3); short protein forms R770*.
Identifiers: ClinVar variation 632498 (VCV000632498.16), dbSNP rs754517968, ClinGen allele CA4504453.

ClinVar aggregate classification (germline): Pathogenic/Likely pathogenic. Review status: criteria provided, multiple submitters, no conflicts (2 of 4 stars). 5 submissions from 5 submitters: Pathogenic (3); Likely pathogenic (2). Last evaluated 2023-12-28.

Conditions:
ATP6V0A4-related disorder. Also called: ATP6V0A4-related condition.
Renal tubular acidosis, distal, 3, with or without sensorineural hearing loss (DRTA3). Identifiers: MedGen C5399980, MONDO:0011268, OMIM 602722.
Autosomal recessive distal renal tubular acidosis. Identifiers: Orphanet 402041, MedGen C1864498, MONDO:0018440.

Allele frequency attached by ClinVar (database versions not stated): ExAC 0.00002; gnomAD 0.00002; gnomAD exomes 0.00004; TOPMed 0.00005.
gnomAD v4.1: 66 of 1,613,906 alleles (0.0041%); highest among the groups gnomAD compares: Middle Eastern, 0.016%; no homozygotes.

Submissions (5):

GeneDx
Classification: Pathogenic. Last evaluated: 2023-12-28. Review status: criteria provided, single submitter. Criteria: GeneDx Variant Classification Process June 2021. Collection method: clinical testing. Allele origin: germline. Affected: yes.
Comment: Observed in homozygous state or with a pathogenic variant on the opposite allele (in trans) in patients with features consistent with ATP6V0A4-related distal renal tubular acidosis in published literature, and not observed in homozygous state in controls (PMID: 23754897, 16611712); Nonsense variant predicted to result in protein truncation or nonsense mediated decay in a gene for which loss of function is a known mechanism of disease; This variant is associated with the following publications: (PMID: 23754897, 16611712)

Blueprint Genetics
Classification: Likely pathogenic for ATP6V0A4-related disorders. Last evaluated: 2023-02-06. Review status: criteria provided, single submitter. Criteria: ACMG Guidelines, 2015. Collection method: clinical testing. Allele origin: germline. Affected: yes. Observed: 3 variant alleles.

Fulgent Genetics
Classification: Pathogenic for Renal tubular acidosis, distal, 3, with or without sensorineural hearing loss. Last evaluated: 2022-03-15. Review status: criteria provided, single submitter. Criteria: ACMG Guidelines, 2015. Collection method: clinical testing. Allele origin: unknown.

Labcorp Genetics (formerly Invitae), Labcorp
Classification: Pathogenic. Last evaluated: 2020-09-11. Review status: criteria provided, single submitter. Criteria: Invitae Variant Classification Sherloc (09022015). Collection method: clinical testing. Allele origin: germline.
Comment: For these reasons, this variant has been classified as Pathogenic. Loss-of-function variants in ATP6V0A4 are known to be pathogenic (PMID: 12414817, 16611712). Algorithms developed to predict the effect of sequence changes on RNA splicing suggest that this variant may create or strengthen a splice site, but this prediction has not been confirmed by published transcriptional studies. This variant has been observed in individual(s) with renal tubular acidosis (PMID: 16611712). ClinVar contains an entry for this variant (Variation ID: 632498). This variant is present in population databases (rs754517968, ExAC 0.005%). This sequence change creates a premature translational stop signal (p.Arg770*) in the ATP6V0A4 gene. It is expected to result in an absent or disrupted protein product.

Illumina Laboratory Services, Illumina
Classification: Likely pathogenic for Renal tubular acidosis, distal, 3, with or without sensorineural hearing loss. Last evaluated: 2017-07-11. Review status: criteria provided, single submitter. Criteria: ICSL Variant Classification Criteria 09 May 2019. Collection method: clinical testing. Allele origin: germline.
Comment: The ATP6V0A4 c.2308C>T (p.Arg770Ter) variant is a stop-gained variant that is predicted to result in premature termination of the protein. This variant has been reported in two studies in which it is found in a total of five individuals with autosomal recessive distal renal tubular acidosis, including in three, of which two were related, who carried the variant in a homozygous state, and in two siblings who carried the variant in a compound heterozygote state (Vargas-Poussou et al. 2006; Swayamprakasam et al. 2010). Vargas-Poussou et al. (2006) identified the three homozygotes in two separate Malian families with identical haplotypes, suggesting a possible founder effect. In the first family, the proband was affected with both nephrocalcinosis and sensorineural hearing loss while the proband from the second family had neither nephrocalcinosis or sensorineural hearing loss. The affected mother and an affected uncle in the second family both had nephrocalcinosis and sensorineural hearing loss, however no genotype information was given for the affected uncle. The compound heterozygous siblings reported in Swayamprakasam et al. (2010) were affected with both distal renal tubular acidosis and bilateral sensorineural hearing loss and carried a missense variant on the second allele that was confirmed by parental sequencing. Control data are unavailable for the p.Arg770Ter variant, which is reported at a frequency of 0.000916 in the Ashkenazi Jewish population in the Genome Aggregation Database. Based on the evidence from the literature and due to the potential impact of stop-gained variants, the p.Arg770Ter variant is classified as likely pathogenic for autosomal recessive distal renal tubular acidosis. This variant was observed by ICSL as part of a predisposition screen in an ostensibly healthy population.

Literature cited by the submitters: PubMed 12414817 (cited by Labcorp Genetics (formerly Invitae), Labcorp); PubMed 16611712 (cited by Labcorp Genetics (formerly Invitae), Labcorp and Illumina Laboratory Services, Illumina); PubMed 23754897 (cited by Illumina Laboratory Services, Illumina).